The following is an entry in ClinVar:

NM_001276270.2(MBD4):c.1630_1631del (p.Val544fs)

Gene: MBD4 (methyl-CpG binding domain 4, DNA glycosylase; minus strand). Cytogenetic location: 3q21.3.
Variant type: Microsatellite.
Coding change: c.1630_1631del on transcript NM_001276270.2 (MANE Select); coding-DNA positions 1630 to 1631, 2 bases deleted (GT; older notation c.1630_1631delGT).
Protein change: p.Val544fs; shifts the reading frame from valine 544.
Molecular consequence: frameshift variant. On other transcripts: intron variant (1).
Genome position (GRCh38, 1-based): chr3:129,432,519-129,432,520, AC deleted on the plus strand (GT on the coding strand, the reverse complement: MBD4 is on the minus strand); deleting any 2 consecutive bases within chr3:129,432,519-129,432,523 gives the same sequence; the c. name uses the placement nearest the transcript's 3' end. VCF-style (leftmost placement, unchanged base first): chr3-129432518-GAC-G. GRCh37 (hg19) VCF-style: chr3-129151361-GAC-G.
Other names: c.1648_1649del, p.Val550fs (NM_001276271.2, NM_003925.3); c.694_695del, p.Val232fs (NM_001276273.2); c.1612+36_1612+37del (NM_001276272.2); c.1630_1631delGT (NM_001276270.2); short protein forms V232fs, V550fs, V544fs.
Identifiers: ClinVar variation 5023997 (VCV005023997.1).
Genomic context (GRCh38, chr3:129,432,518, plus strand): 5'-CTCAGAGACCAAATGTGCTGAATTATGGATGGGAGTGAGCCTCACCTGCTTCCACTCATT[GAC>G]ACAAAAAATTCGGTAAGAGTCGTTGCCATATTTACCAATCCCATGAAGCTCAATTGGATA-3'

ClinVar aggregate classification (germline): Likely pathogenic (1 of 4 stars; one submission).

Conditions:
Inborn genetic diseases. Identifiers: MedGen C0950123, MeSH D030342.

Submission:

Ambry Genetics
Classification: Likely pathogenic for Inborn genetic diseases. Last evaluated: 2026-06-16. Review status: criteria provided, single submitter. Criteria: Ambry Variant Classification Scheme 2023. Collection method: clinical testing. Allele origin: germline.
Comment: The c.1630_1631delGT variant, located in coding exon 7 of the MBD4 gene, results from a deletion of two nucleotides at nucleotide positions 1630 to 1631, causing a translational frameshift with a predicted alternate stop codon (p.V544Qfs*2). This variant occurs at the 3' terminus of the gene, is not expected to trigger nonsense-mediated mRNA decay, and impacts the last 5.2% of the protein. However, premature stop codons are typically deleterious in nature and a significant portion of the protein is affected (Ambry internal data).This variant is considered to be rare based on population cohorts in the Genome Aggregation Database (gnomAD). Based on the majority of available evidence to date, this variant is likely to be pathogenic.